The following is an entry in ClinVar:

ClinVar aggregate classification (germline): Uncertain significance (1 of 4 stars; one submission).

gnomAD v4.1: 6 of 1,613,932 alleles (0.00037%); highest among the groups gnomAD compares: Non-Finnish European, 0.00051%; no homozygotes.

Submission:

GeneDx
Classification: Uncertain significance. Last evaluated: 2023-04-13. Review status: criteria provided, single submitter. Criteria: GeneDx Variant Classification Process June 2021. Collection method: clinical testing. Allele origin: germline. Affected: yes.
Comment: Not observed at significant frequency in large population cohorts (gnomAD); In silico analysis supports that this missense variant has a deleterious effect on protein structure/function; Has not been previously published as pathogenic or benign to our knowledge

NM_001374353.1(GLI2):c.903C>A (p.Ser301Arg)

Gene: GLI2 (GLI family zinc finger 2; plus strand). Cytogenetic location: 2q14.2.
Variant type: single nucleotide variant.
Coding change: c.903C>A on transcript NM_001374353.1 (MANE Select); coding-DNA position 903, C replaced by A.
Protein change: p.Ser301Arg; replaces serine 301 with arginine.
Molecular consequence: missense variant.
Genome position (GRCh38, 1-based): chr2:120,970,450, C>A. VCF-style: chr2-120970450-C-A. GRCh37 (hg19) VCF-style: chr2-121728026-C-A.
Other names: c.903C>A, p.Ser301Arg (NM_001371271.1, NM_005270.5); c.528C>A, p.Ser176Arg (NM_001374354.1); short protein forms S176R, S301R.
Identifiers: ClinVar variation 3343072 (VCV003343072.1).
Genomic context (GRCh38, chr2:120,970,450, plus strand): 5'-CAGCCCAGCCTTCACCTTCCCCCACCCCATCAACCCCGTGGCCTACCAGCAGATTCTGAG[C>A]CAGCAGAGGGGTCTGGGGTCAGCCTTTGGACACACACCACCCCTGATCCAGCCCTCACCC-3'
Protein context (NP_001361282.1, residues 291-311): INPVAYQQIL[Ser301Arg]QQRGLGSAFG